The following is an entry in ClinVar:

ClinVar aggregate classification (germline): Conflicting classifications of pathogenicity. Review status: criteria provided, conflicting classifications (1 of 4 stars). 3 submissions from 3 submitters: Uncertain significance (1); Likely benign (1). 1 of the submissions does not count toward it. Last evaluated 2025-06-03.

Conditions:
Inborn genetic diseases. Identifiers: MedGen C0950123, MeSH D030342.
MYO9A-related disorder. Also called: MYO9A-related condition.

Allele frequency attached by ClinVar (database versions not stated): gnomAD exomes 0.00204; gnomAD 0.00122; 1000 Genomes Project 0.00060; 1000 Genomes Project 30x 0.00062; TOPMed 0.00120; ESP Exome Variant Server 0.00177.

Submissions (3):

Ambry Genetics
Classification: Uncertain significance for Inborn genetic diseases. Last evaluated: 2025-06-03. Review status: criteria provided, single submitter. Criteria: Ambry Variant Classification Scheme 2023. Collection method: clinical testing. Allele origin: germline.

Labcorp Genetics (formerly Invitae), Labcorp
Classification: Likely benign. Last evaluated: 2019-12-31. Review status: criteria provided, single submitter. Criteria: Invitae Variant Classification Sherloc (09022015). Collection method: clinical testing. Allele origin: germline.

PreventionGenetics, part of Exact Sciences
Classification: Likely benign for MYO9A-related condition. Last evaluated: 2022-02-18. Review status: no assertion criteria provided. Collection method: clinical testing. Allele origin: germline. Not counted in ClinVar's aggregate classification.
Comment: This variant is classified as likely benign based on ACMG/AMP sequence variant interpretation guidelines (Richards et al. 2015 PMID: 25741868, with internal and published modifications).

NM_006901.4(MYO9A):c.4535T>C (p.Met1512Thr)

Gene: MYO9A (myosin IXA; minus strand). Cytogenetic location: 15q23.
Variant type: single nucleotide variant.
Coding change: c.4535T>C on transcript NM_006901.4 (MANE Select); coding-DNA position 4535, T replaced by C.
Protein change: p.Met1512Thr; replaces methionine 1512 with threonine.
Molecular consequence: missense variant.
Genome position (GRCh38, 1-based): chr15:71,897,968, A>G on the plus strand (T>C on the coding strand, the complement: MYO9A is on the minus strand). VCF-style: chr15-71897968-A-G. GRCh37 (hg19) VCF-style: chr15-72190309-A-G.
Other names: c.4535T>C (NM_006901.2); short protein forms M1512T.
Identifiers: ClinVar variation 775356 (VCV000775356.9), dbSNP rs116934613, ClinGen allele CA7641394.